The following is an entry in ClinVar:

ClinVar aggregate classification (germline): Pathogenic (1 of 4 stars; one submission).

Conditions:
Ehlers-Danlos syndrome, dermatosparaxis type. Also called: EDS VIIC; Dermatosparaxis; Ehlers-Danlos syndrome, type VII, autosomal recessive. Identifiers: Orphanet 1901, MedGen C2700425, MONDO:0009161, OMIM 225410.

Submission:

Myriad Genetics, Inc.
Classification: Pathogenic for Ehlers-Danlos syndrome, dermatosparaxis type. Last evaluated: 2024-05-14. Review status: criteria provided, single submitter. Criteria: Myriad Autosomal Dominant, Autosomal Recessive and X-Linked Classification Criteria (2023). Collection method: clinical testing. Allele origin: unknown.
Comment: NM_014244.4(ADAMTS2):c.39_40insAG(P14Sfs*152) is expected to be pathogenic in the context of Ehlers-Danlos syndrome, ADAMTS2-related. This variant is predicted to lead to an abnormal or absent protein product due to the creation of a premature termination codon in ADAMTS2, a gene where loss-of-function variants are known to be pathogenic. Please note: this variant was assessed in the context of healthy population screening.

NM_014244.5(ADAMTS2):c.39_40insAG (p.Pro14fs)

Gene: ADAMTS2 (ADAM metallopeptidase with thrombospondin type 1 motif 2; minus strand). Cytogenetic location: 5q35.3.
Variant type: Insertion.
Coding change: c.39_40insAG on transcript NM_014244.5 (MANE Select); coding-DNA positions 39 to 40, AG inserted.
Protein change: p.Pro14fs; shifts the reading frame from proline 14.
Molecular consequence: frameshift variant.
Genome position: GRCh38 VCF-style: chr5-179345289-G-GCT. GRCh37 (hg19) VCF-style: chr5-178772290-G-GCT.
Other names: c.39_40insAG, p.Pro14fs (NM_021599.4); short protein forms P14fs.
Identifiers: ClinVar variation 5011180 (VCV005011180.1).